The following is an entry in ClinVar:

NM_000143.4(FH):c.1219G>A (p.Val407Ile)

Gene: FH (fumarate hydratase; minus strand). Cytogenetic location: 1q43.
Variant type: single nucleotide variant.
Coding change: c.1219G>A on transcript NM_000143.4 (MANE Select); coding-DNA position 1219, G replaced by A.
Protein change: p.Val407Ile; replaces valine 407 with isoleucine.
Molecular consequence: missense variant.
Genome position (GRCh38, 1-based): chr1:241,502,460, C>T on the plus strand (G>A on the coding strand, the complement: FH is on the minus strand). VCF-style: chr1-241502460-C-T. GRCh37 (hg19) VCF-style: chr1-241665760-C-T.
Other names: short protein forms V407I.
Identifiers: ClinVar variation 2452777 (VCV002452777.2), dbSNP rs767500963, ClinGen allele CA345437280.

ClinVar aggregate classification (germline): Uncertain significance (1 of 4 stars; one submission).

Conditions:
Hereditary cancer-predisposing syndrome. Also called: Neoplastic Syndromes, Hereditary; Tumor predisposition; Hereditary neoplastic syndrome; Hereditary Cancer Syndrome. Identifiers: Orphanet 140162, MedGen C0027672, MeSH D009386, MONDO:0015356.

Submission:

Ambry Genetics
Classification: Uncertain significance for Hereditary cancer-predisposing syndrome. Last evaluated: 2023-01-19. Review status: criteria provided, single submitter. Criteria: Ambry Variant Classification Scheme 2023. Collection method: clinical testing. Allele origin: germline.
Comment: The p.V407I variant (also known as c.1219G>A), located in coding exon 8 of the FH gene, results from a G to A substitution at nucleotide position 1219. The valine at codon 407 is replaced by isoleucine, an amino acid with highly similar properties. This amino acid position is highly conserved in available vertebrate species. In addition, the in silico prediction for this alteration is inconclusive. Since supporting evidence is limited at this time, the clinical significance of this alteration remains unclear.